The following is an entry in ClinVar:

NM_005343.4(HRAS):c.413G>A (p.Gly138Asp)

Genes: HRAS (HRas proto-oncogene, GTPase; minus strand), LRRC56 (leucine rich repeat containing 56; plus strand). Cytogenetic location: 11p15.5.
Variant type: single nucleotide variant.
Coding change: c.413G>A on transcript NM_005343.4 (MANE Select); coding-DNA position 413, G replaced by A.
Protein change: p.Gly138Asp; replaces glycine 138 with aspartic acid.
Molecular consequence: missense variant.
Genome position (GRCh38, 1-based): chr11:533,490, C>T on the plus strand (G>A on the coding strand, the complement: HRAS is on the minus strand). VCF-style: chr11-533490-C-T. GRCh37 (hg19) VCF-style: chr11-533490-C-T.
Other names: c.413G>A, p.Gly138Asp (NM_001130442.3, NM_176795.5); c.94G>A, p.Ala32Thr (NM_001318054.2); short protein forms G138D, A32T.
Identifiers: ClinVar variation 462151 (VCV000462151.10), dbSNP rs1554884772, ClinGen allele CA378922932.

ClinVar aggregate classification (germline): Uncertain significance (1 of 4 stars; one submission).

Conditions:
Costello syndrome (CSTLO). Also called: FACIOCUTANEOSKELETAL SYNDROME; HRAS-Related Costello Syndrome; FCS SYNDROME. Identifiers: Orphanet 3071, MedGen C0587248, MONDO:0009026, OMIM 218040.

gnomAD v4.1: 3 of 1,613,606 alleles (0.00019%); highest among the groups gnomAD compares: Non-Finnish European, 0.00017%; no homozygotes.

Submission:

Labcorp Genetics (formerly Invitae), Labcorp
Classification: Uncertain significance for Costello syndrome. Last evaluated: 2024-02-08. Review status: criteria provided, single submitter. Criteria: Invitae Variant Classification Sherloc (09022015). Collection method: clinical testing. Allele origin: germline.
Comment: This sequence change replaces glycine, which is neutral and non-polar, with aspartic acid, which is acidic and polar, at codon 138 of the HRAS protein (p.Gly138Asp). This variant is not present in population databases (gnomAD no frequency). This variant has not been reported in the literature in individuals affected with HRAS-related conditions. ClinVar contains an entry for this variant (Variation ID: 462151). Advanced modeling of protein sequence and biophysical properties (such as structural, functional, and spatial information, amino acid conservation, physicochemical variation, residue mobility, and thermodynamic stability) performed at Invitae indicates that this missense variant is not expected to disrupt HRAS protein function with a negative predictive value of 95%. In summary, the available evidence is currently insufficient to determine the role of this variant in disease. Therefore, it has been classified as a Variant of Uncertain Significance.